The following is an entry in ClinVar:

ClinVar aggregate classification (germline): Conflicting classifications of pathogenicity. Review status: criteria provided, conflicting classifications (1 of 4 stars). 4 submissions from 4 submitters: Uncertain significance (1); Likely benign (2). 1 of the submissions does not count toward it. Last evaluated 2026-02-01.

Conditions:
TRIP12-related disorder. Also called: TRIP12-related condition.
Clark-Baraitser syndrome. Also called: BARAITSER SYNDROME; Mental retardation, tall stature, obesity, macrocephaly and typical facial features; Intellectual disability, autosomal dominant 49; MENTAL RETARDATION, AUTOSOMAL DOMINANT 49. Identifiers: Orphanet 600731, MedGen C2931130, MONDO:0030914, OMIM 617752.

Allele frequency attached by ClinVar (database versions not stated): ExAC 0.00073; gnomAD 0.00092; TOPMed 0.00099; 1000 Genomes Project 0.00100; ESP Exome Variant Server 0.00100; 1000 Genomes Project 30x 0.00109.
gnomAD v4.1: 1,627 of 1,598,736 alleles (0.1%); highest among the groups gnomAD compares: Admixed American, 0.16%; no homozygotes.

Submissions (4):

CeGaT Center for Human Genetics Tuebingen
Classification: Likely benign. Last evaluated: 2026-02-01. Review status: criteria provided, single submitter. Criteria: CeGaT Center For Human Genetics Tuebingen Variant Classification Criteria Version 2. Collection method: clinical testing. Allele origin: germline. Affected: yes. Observed: 4 variant alleles.
Comment: TRIP12: BS1

Fulgent Genetics
Classification: Likely benign for Clark-Baraitser syndrome. Last evaluated: 2024-05-03. Review status: criteria provided, single submitter. Criteria: ACMG Guidelines, 2015. Collection method: clinical testing. Allele origin: germline.

Revvity Omics, Revvity
Classification: Uncertain significance for Clark-Baraitser syndrome. Last evaluated: 2019-05-07. Review status: criteria provided, single submitter. Criteria: ACMG Guidelines, 2015. Collection method: clinical testing. Allele origin: germline.

PreventionGenetics, part of Exact Sciences
Classification: Likely benign for TRIP12-related condition. Last evaluated: 2022-08-30. Review status: no assertion criteria provided. Collection method: clinical testing. Allele origin: germline. Not counted in ClinVar's aggregate classification.
Comment: This variant is classified as likely benign based on ACMG/AMP sequence variant interpretation guidelines (Richards et al. 2015 PMID: 25741868, with internal and published modifications).

NM_001348323.3(TRIP12):c.1922C>T (p.Thr641Met)

Gene: TRIP12 (thyroid hormone receptor interactor 12; minus strand). Cytogenetic location: 2q36.3.
Variant type: single nucleotide variant.
Coding change: c.1922C>T on transcript NM_001348323.3 (MANE Select); coding-DNA position 1922, C replaced by T.
Protein change: p.Thr641Met; replaces threonine 641 with methionine.
Molecular consequence: missense variant.
Genome position (GRCh38, 1-based): chr2:229,813,934, G>A on the plus strand (C>T on the coding strand, the complement: TRIP12 is on the minus strand). VCF-style: chr2-229813934-G-A. GRCh37 (hg19) VCF-style: chr2-230678650-G-A.
Other names: c.1922C>T, p.Thr641Met (NM_001284214.2, NM_001348315.2, NM_001348319.1 and 11 more transcripts); c.1796C>T, p.Thr599Met (NM_001284215.2, NM_001348316.2, NM_001348317.1 and 2 more transcripts); c.887C>T, p.Thr296Met (NM_001284216.2); c.1778C>T, p.Thr593Met (NM_004238.3); c.1922C>T (NM_001284214.1); c.1835C>T, p.Thr612Met (NM_001348332.1); short protein forms T296M, T593M, T599M, T612M, T641M.
Identifiers: ClinVar variation 2437326 (VCV002437326.29), dbSNP rs142882915, ClinGen allele CA2153143.